The following is an entry in ClinVar:

ClinVar aggregate classification (germline): Conflicting classifications of pathogenicity. Review status: criteria provided, conflicting classifications (1 of 4 stars). 3 submissions from 3 submitters: Uncertain significance (1); Likely benign (2). Last evaluated 2025-09-15.

Conditions:
TRPM1-related disorder. Also called: TRPM1-related condition.

Allele frequency attached by ClinVar (database versions not stated): gnomAD exomes below 0.00001; TOPMed 0.00001.

Submissions (3):

PreventionGenetics, part of Exact Sciences
Classification: Uncertain significance for TRPM1-related condition. Last evaluated: 2025-09-15. Review status: criteria provided, single submitter. Criteria: ACMG Guidelines, 2015. Collection method: clinical testing. Allele origin: germline.
Comment: The TRPM1 c.3018G>A variant is not predicted to result in an amino acid change (p.=). This variant is predicted to alter splicing based on one algorithm (SpliceAI, Jaganathan et al. 2019. PubMed ID: 30661751). To our knowledge, this variant has not been reported in the literature. This variant is reported in 0.0064% of alleles in individuals of African descent in gnomAD. At this time, the clinical significance of this variant is uncertain due to the absence of conclusive functional and genetic evidence.

Blueprint Genetics
Classification: Likely benign. Last evaluated: 2024-11-06. Review status: criteria provided, single submitter. Criteria: ACMG Guidelines, 2015. Collection method: clinical testing. Allele origin: germline.

Labcorp Genetics (formerly Invitae), Labcorp
Classification: Likely benign. Last evaluated: 2024-02-17. Review status: criteria provided, single submitter. Criteria: Invitae Variant Classification Sherloc (09022015). Collection method: clinical testing. Allele origin: germline.

NM_001252024.2(TRPM1):c.2967G>A (p.Leu989=)

Genes: TRPM1 (transient receptor potential cation channel subfamily M member 1; minus strand), TRPM1-AS1 (TRPM1 antisense RNA 1; plus strand). Cytogenetic location: 15q13.3.
Variant type: single nucleotide variant.
Coding change: c.2967G>A on transcript NM_001252024.2 (MANE Select); coding-DNA position 2967, G replaced by A.
Protein change: p.Leu989=; no amino-acid change (leucine 989 retained).
Molecular consequence: synonymous variant.
Genome position (GRCh38, 1-based): chr15:31,031,143, C>T on the plus strand (G>A on the coding strand, the complement: TRPM1 is on the minus strand). VCF-style: chr15-31031143-C-T. GRCh37 (hg19) VCF-style: chr15-31323346-C-T.
Other names: c.3018G>A, p.Leu1006= (NM_001252020.2); c.2901G>A, p.Leu967= (NM_002420.6); c.3018G>A (NM_001252020.1).
Identifiers: ClinVar variation 1080147 (VCV001080147.11), dbSNP rs1468430763, ClinGen allele CA489360072.
Genomic context (GRCh38, chr15:31,031,143, plus strand): 5'-AATGGCTTGACGGGCTACTCCGAAACTCATGAGCACGACCAGCATGATGACCACAAAGTA[C>T]AGCATGTCGATCATCTGAGTAAGGAGAACATTTGTCTCTCACTGTCTTGGCTTGTGGGCC-3'
Protein context (NP_001238953.1, residues 979-999): MMIGKMMIDM[Leu989=]YFVVIMLVVL